The following is an entry in ClinVar:

NM_000388.4(CASR):c.1100C>T (p.Pro367Leu)

Gene: CASR (calcium sensing receptor; plus strand). Cytogenetic location: 3q21.1.
Variant type: single nucleotide variant.
Coding change: c.1100C>T on transcript NM_000388.4 (MANE Select); coding-DNA position 1100, C replaced by T.
Protein change: p.Pro367Leu; replaces proline 367 with leucine.
Molecular consequence: missense variant.
Genome position (GRCh38, 1-based): chr3:122,262,135, C>T. VCF-style: chr3-122262135-C-T. GRCh37 (hg19) VCF-style: chr3-121980982-C-T.
Other names: c.1100C>T, p.Pro367Leu (NM_001178065.2); short protein forms P367L.
Identifiers: ClinVar variation 2053229 (VCV002053229.4), dbSNP rs1482267551, ClinGen allele CA354152590.

ClinVar aggregate classification (germline): Uncertain significance (1 of 4 stars; one submission).

Conditions:
Autosomal dominant hypocalcemia 1 (HYPOC1). Also called: HYPOCALCEMIA, FAMILIAL. Identifiers: MedGen C3715128, MONDO:0011013, OMIM 601198.
Familial hypocalciuric hypercalcemia (FHH). Also called: Familial benign hypercalcemia. Identifiers: Orphanet 405, MedGen C1809471, MONDO:0018458.

gnomAD v4.1: 1 of 1,614,192 alleles (0.000062%); highest among the groups gnomAD compares: Non-Finnish European, 0.000085%; no homozygotes.

Submission:

Labcorp Genetics (formerly Invitae), Labcorp
Classification: Uncertain significance for Familial hypocalciuric hypercalcemia; Autosomal dominant hypocalcemia 1. Last evaluated: 2022-09-17. Review status: criteria provided, single submitter. Criteria: Invitae Variant Classification Sherloc (09022015). Collection method: clinical testing. Allele origin: germline.
Comment: This sequence change replaces proline, which is neutral and non-polar, with leucine, which is neutral and non-polar, at codon 367 of the CASR protein (p.Pro367Leu). In summary, the available evidence is currently insufficient to determine the role of this variant in disease. Therefore, it has been classified as a Variant of Uncertain Significance. Algorithms developed to predict the effect of missense changes on protein structure and function (SIFT, PolyPhen-2, Align-GVGD) all suggest that this variant is likely to be tolerated. This variant has not been reported in the literature in individuals affected with CASR-related conditions. This variant is not present in population databases (gnomAD no frequency).